The following is an entry in ClinVar:

NM_004795.4(KL):c.12C>A (p.Ser4Arg)

Gene: KL (klotho; plus strand). Cytogenetic location: 13q13.1.
Variant type: single nucleotide variant.
Coding change: c.12C>A on transcript NM_004795.4 (MANE Select); coding-DNA position 12, C replaced by A.
Protein change: p.Ser4Arg; replaces serine 4 with arginine.
Molecular consequence: missense variant.
Genome position (GRCh38, 1-based): chr13:33,016,452, C>A. VCF-style: chr13-33016452-C-A. GRCh37 (hg19) VCF-style: chr13-33590590-C-A.
Other names: short protein forms S4R.
Identifiers: ClinVar variation 2750680 (VCV002750680.3), dbSNP rs1185593647, ClinGen allele CA387779755.

ClinVar aggregate classification (germline): Uncertain significance (1 of 4 stars; one submission).

Allele frequency attached by ClinVar (database versions not stated): gnomAD exomes 0.00001.
gnomAD v4.1: 5 of 955,390 alleles (0.00052%); highest among the groups gnomAD compares: Non-Finnish European, 0.00062%; no homozygotes.

Submission:

Labcorp Genetics (formerly Invitae), Labcorp
Classification: Uncertain significance. Last evaluated: 2023-08-06. Review status: criteria provided, single submitter. Criteria: Invitae Variant Classification Sherloc (09022015). Collection method: clinical testing. Allele origin: germline.
Comment: This sequence change replaces serine, which is neutral and polar, with arginine, which is basic and polar, at codon 4 of the KL protein (p.Ser4Arg). The frequency data for this variant in the population databases is considered unreliable, as metrics indicate insufficient coverage at this position in the gnomAD database. This variant has not been reported in the literature in individuals affected with KL-related conditions. Algorithms developed to predict the effect of missense changes on protein structure and function output the following: SIFT: "Not Available"; PolyPhen-2: "Benign"; Align-GVGD: "Not Available". The arginine amino acid residue is found in multiple mammalian species, which suggests that this missense change does not adversely affect protein function. In summary, the available evidence is currently insufficient to determine the role of this variant in disease. Therefore, it has been classified as a Variant of Uncertain Significance.